The following is an entry in ClinVar:

ClinVar aggregate classification (germline): Likely pathogenic (3 of 4 stars; one submission).

Conditions:
Monogenic diabetes. Identifiers: Orphanet 183625, MedGen C3888631, MONDO:0015967.

Submission:

ClinGen Monogenic Diabetes Variant Curation Expert Panel
Classification: Likely pathogenic for Monogenic diabetes. Last evaluated: 2022-04-14. Review status: reviewed by expert panel. Criteria: ClinGen Diabetes ACMG Specifications v1 1. Collection method: curation. Allele origin: germline. Inheritance: Autosomal dominant inheritance.
Comment: The c.864dupG variant in the HNF1 homeobox A gene, HNF1A, causes a frameshift in the protein at codon 289 of NM_000545.8, adding 28 novel amino acids before encountering a stop codon (p.(Pro289AlafsTer28). This variant, located in biologically-relevant exon 4 of 10, is predicted to lead to nonsense mediated decay in a gene in which loss-of-function is an established disease mechanism (PVS1; PMID: 23348805). Additionally, this variant is absent from gnomAD v2.1.1 (PM2_Supporting). This variant was identified in three unrelated individuals with non-autoimmune and non-absolute/near-absolute insulin-deficient diabetes; however, PS4_Moderate cannot be applied because this number is below the ClinGen MDEP threshold (PMIDs: 25414397 and 30293189, internal lab contributors). None of the individuals had calculated MODY probability >50%; therefore, PP4 cannot be applied. In summary, c.864dupG meets the criteria to be classified as likely pathogenic for monogenic diabetes. ACMG/AMP criteria applied, as specified by the ClinGen MDEP (specification version 1.1, approved 9/30/21): PVS1, PM2_Supporting.

NM_000545.8(HNF1A):c.864dup (p.Pro289fs)

Gene: HNF1A (HNF1 homeobox A; plus strand). Cytogenetic location: 12q24.31.
Variant type: Duplication.
Coding change: c.864dup on transcript NM_000545.8 (MANE Select); coding-DNA position 864, one base duplicated (G; older notation c.864dupG).
Protein change: p.Pro289fs; shifts the reading frame from proline 289.
Molecular consequence: frameshift variant.
Genome position (GRCh38, 1-based): chr12:120,994,314, G duplicated; the last of 3 consecutive G bases (chr12:120,994,312-120,994,314); duplicating any one gives the same sequence. VCF-style (leftmost placement, unchanged base first): chr12-120994311-C-CG. GRCh37 (hg19) VCF-style: chr12-121432114-C-CG.
Other names: NM_001306179.2:c.864dup; c.864dup, p.Pro289fs (NM_001306179.2); short protein forms P289fs.
Identifiers: ClinVar variation 1676719 (VCV001676719.3), dbSNP rs762703502, ClinGen allele CA916079828.
Genomic context (GRCh38, chr12:120,994,311, plus strand): 5'-GTTTGCCAACCGGCGCAAAGAAGAAGCCTTCCGGCACAAGCTGGCCATGGACACGTACAG[C>CG]GGGCCCCCCCCAGGGCCAGGCCCGGGACCTGCGCTGCCCGCTCACAGCTCCCCTGGCCTG-3'